The following is an entry in ClinVar:

ClinVar aggregate classification (germline): Benign/Likely benign. Review status: criteria provided, multiple submitters, no conflicts (2 of 4 stars). 3 submissions from 3 submitters: Benign (1); Likely benign (2). Last evaluated 2026-06-19.

Submissions (3):

Women's Health and Genetics/Laboratory Corporation of America, LabCorp
Classification: Benign. Last evaluated: 2026-06-19. Review status: criteria provided, single submitter. Criteria: LabCorp Variant Classification Summary - May 2015. Collection method: clinical testing. Allele origin: germline.

Blueprint Genetics
Classification: Likely benign. Last evaluated: 2024-11-06. Review status: criteria provided, single submitter. Criteria: ACMG Guidelines, 2015. Collection method: clinical testing. Allele origin: germline.

GeneDx
Classification: Likely benign. Last evaluated: 2018-04-03. Review status: criteria provided, single submitter. Criteria: GeneDx Variant Classification (06012015). Collection method: clinical testing. Allele origin: germline. Affected: yes.
Comment: This variant is considered likely benign or benign based on one or more of the following criteria: it is a conservative change, it occurs at a poorly conserved position in the protein, it is predicted to be benign by multiple in silico algorithms, and/or has population frequency not consistent with disease.

NM_002294.3(LAMP2):c.-32GTCGCCGCC[3]

Gene: LAMP2 (lysosome associated membrane protein 2; minus strand). Cytogenetic location: Xq24.
Variant type: Microsatellite.
Coding change: c.-32GTCGCCGCC[3] on transcript NM_002294.3 (MANE Select); three copies in a row of the 9-base unit GTCGCCGCC starting at c.-32; the reference has two copies in a row; one copy, 9 bases duplicated.
Molecular consequence: 5 prime UTR variant.
Genome position (GRCh38, 1-based): chrX:120,469,184-120,469,192, GGCGGCGAC duplicated on the plus strand (GTCGCCGCC on the coding strand, the reverse complement: LAMP2 is on the minus strand); duplicating any 9 consecutive bases within chrX:120,469,184-120,469,208 gives the same sequence; the position shown is the placement nearest the transcript's 3' end. VCF-style (leftmost placement, unchanged base first): chrX-120469183-A-AGGCGGCGAC. GRCh37 (hg19) VCF-style: chrX-119603038-A-AGGCGGCGAC.
Other names: c.-32GTCGCCGCC[3] (NM_001122606.1, NM_013995.2); c.-23_-15dupGTCGCCGCC (NM_002294.3, NM_002294.2).
Identifiers: ClinVar variation 670176 (VCV000670176.3), dbSNP rs193922648, ClinGen allele CA10505380.